The following is an entry in ClinVar:

ClinVar aggregate classification (germline): Uncertain significance. Review status: criteria provided, multiple submitters, no conflicts (2 of 4 stars). 2 submissions from 2 submitters: Uncertain significance (2). Last evaluated 2022-07-11.

Allele frequency attached by ClinVar (database versions not stated): gnomAD exomes 0.00001 and 0.00002; ExAC 0.00003; TOPMed 0.00014; ESP Exome Variant Server 0.00015; gnomAD 0.00015 and 0.00017.
gnomAD v4.1: 35 of 1,614,040 alleles (0.0022%); highest among the groups gnomAD compares: African/African-American, 0.047%; no homozygotes.

Submissions (2):

Labcorp Genetics (formerly Invitae), Labcorp
Classification: Uncertain significance. Last evaluated: 2022-07-11. Review status: criteria provided, single submitter. Criteria: Invitae Variant Classification Sherloc (09022015). Collection method: clinical testing. Allele origin: germline.
Comment: This sequence change replaces lysine, which is basic and polar, with glutamic acid, which is acidic and polar, at codon 613 of the AGBL5 protein (p.Lys613Glu). This variant is present in population databases (rs140562008, gnomAD 0.04%). This variant has not been reported in the literature in individuals affected with AGBL5-related conditions. ClinVar contains an entry for this variant (Variation ID: 839583). Algorithms developed to predict the effect of missense changes on protein structure and function (SIFT, PolyPhen-2, Align-GVGD) all suggest that this variant is likely to be tolerated. In summary, the available evidence is currently insufficient to determine the role of this variant in disease. Therefore, it has been classified as a Variant of Uncertain Significance.

Blueprint Genetics
Classification: Uncertain significance. Last evaluated: 2021-11-22. Review status: criteria provided, single submitter. Criteria: ACMG Guidelines, 2015. Collection method: clinical testing. Allele origin: germline.

NM_021831.6(AGBL5):c.1837A>G (p.Lys613Glu)

Gene: AGBL5 (AGBL carboxypeptidase 5; plus strand). Cytogenetic location: 2p23.3.
Variant type: single nucleotide variant.
Coding change: c.1837A>G on transcript NM_021831.6 (MANE Select); coding-DNA position 1837, A replaced by G.
Protein change: p.Lys613Glu; replaces lysine 613 with glutamic acid.
Molecular consequence: missense variant. On other transcripts: non-coding transcript variant (2).
Genome position (GRCh38, 1-based): chr2:27,058,565, A>G. VCF-style: chr2-27058565-A-G. GRCh37 (hg19) VCF-style: chr2-27281433-A-G.
Other names: c.1837A>G, p.Lys613Glu (NM_001035507.3); short protein forms K613E.
Identifiers: ClinVar variation 839583 (VCV000839583.5), dbSNP rs140562008, ClinGen allele CA1567981.